The following is an entry in ClinVar:

NM_000297.4(PKD2):c.1832A>G (p.Tyr611Cys)

Gene: PKD2 (polycystin 2, transient receptor potential cation channel; plus strand). Cytogenetic location: 4q22.1.
Variant type: single nucleotide variant.
Coding change: c.1832A>G on transcript NM_000297.4 (MANE Select); coding-DNA position 1832, A replaced by G.
Protein change: p.Tyr611Cys; replaces tyrosine 611 with cysteine.
Molecular consequence: missense variant. On other transcripts: non-coding transcript variant (1).
Genome position (GRCh38, 1-based): chr4:88,056,201, A>G. VCF-style: chr4-88056201-A-G. GRCh37 (hg19) VCF-style: chr4-88977353-A-G.
Other names: c.1607A>G, p.Tyr536Cys (NM_001440544.1); short protein forms Y536C, Y611C.
Identifiers: ClinVar variation 4531954 (VCV004531954.1).
Genomic context (GRCh38, chr4:88,056,201, plus strand): 5'-CTCGATGTGCCAAAGACCTGTTTGGCTTTGCTATTATGTTCTTCATTATTTTCCTAGCGT[A>G]TGCTCAGTTGGCATACCTTGTCTTTGGCACTCAGGTCGATGACTTCAGTACTTTCCAAGA-3'
Protein context (NP_000288.1, residues 601-621): AIMFFIIFLA[Tyr611Cys]AQLAYLVFGT

ClinVar aggregate classification (germline): Uncertain significance (1 of 4 stars; one submission).

Conditions:
Polycystic kidney disease 2 (PKD2). Also called: POLYCYSTIC KIDNEY DISEASE, ADULT, TYPE II; Polycystic Kidney Disease 2, Autosomal Dominant; POLYCYSTIC KIDNEY DISEASE 2 WITH OR WITHOUT POLYCYSTIC LIVER DISEASE. Identifiers: MedGen C2751306, MONDO:0013131, OMIM 613095.

Submission:

Victorian Clinical Genetics Services, Murdoch Childrens Research Institute
Classification: Uncertain significance for Polycystic kidney disease 2. Last evaluated: 2025-11-11. Review status: criteria provided, single submitter. Criteria: ACMG Guidelines, 2015. Collection method: clinical testing. Allele origin: germline. Affected: yes.
Comment: This variant is classified as VUS-3A. Evidence in support of pathogenic classification: Variant is absent from gnomAD (v2, v3 and v4); Missense variant predicted to be damaging by in silico tool(s) or highly conserved with a major amino acid change. Additional information: Variant is predicted to result in a missense amino acid change from Tyr to Cys; This variant is heterozygous; This gene is associated with autosomal dominant disease; This variant has no previous evidence of pathogenicity; No published evidence of segregation with disease has been identified for this variant; No published functional evidence has been identified for this variant; No comparable missense variants have previous evidence for pathogenicity; Variant is located in the annotated polycystin cation channel (DECIPHER); Loss of function is a known mechanism of disease in this gene and is associated with polycystic kidney disease 2 (MIM#613095); Inheritance information for this variant is not currently available in this individual.